The following is an entry in ClinVar:

NM_001135649.3(FOXI3):c.1223T>G (p.Val408Gly)

Gene: FOXI3 (forkhead box I3; minus strand). Cytogenetic location: 2p11.2.
Variant type: single nucleotide variant.
Coding change: c.1223T>G on transcript NM_001135649.3 (MANE Select); coding-DNA position 1223, T replaced by G.
Protein change: p.Val408Gly; replaces valine 408 with glycine.
Molecular consequence: missense variant.
Genome position (GRCh38, 1-based): chr2:88,448,247, A>C on the plus strand (T>G on the coding strand, the complement: FOXI3 is on the minus strand). VCF-style: chr2-88448247-A-C. GRCh37 (hg19) VCF-style: chr2-88747766-A-C.
Other names: short protein forms V408G.
Identifiers: ClinVar variation 3626399 (VCV003626399.3).

ClinVar aggregate classification (germline): Uncertain significance. Review status: criteria provided, multiple submitters, no conflicts (2 of 4 stars). 2 submissions from 2 submitters: Uncertain significance (2). Last evaluated 2026-09-01.

gnomAD v4.1: 8 of 1,551,598 alleles (0.00052%); highest among the groups gnomAD compares: Admixed American, 0.0078%; no homozygotes.

Submissions (2):

CeGaT Center for Human Genetics Tuebingen
Classification: Uncertain significance. Last evaluated: 2026-09-01. Review status: criteria provided, single submitter. Criteria: CeGaT Center For Human Genetics Tuebingen Variant Classification Criteria Version 2. Collection method: clinical testing. Allele origin: germline. Affected: yes. Observed: 1 variant allele.

Labcorp Genetics (formerly Invitae), Labcorp
Classification: Uncertain significance. Last evaluated: 2024-07-25. Review status: criteria provided, single submitter. Criteria: Invitae Variant Classification Sherloc (09022015). Collection method: clinical testing. Allele origin: germline.
Comment: This sequence change replaces valine, which is neutral and non-polar, with glycine, which is neutral and non-polar, at codon 408 of the FOXI3 protein (p.Val408Gly). This variant is present in population databases (rs563800210, gnomAD 0.008%). This variant has not been reported in the literature in individuals affected with FOXI3-related conditions. Experimental studies and prediction algorithms are not available or were not evaluated, and the functional significance of this variant is currently unknown. In summary, the available evidence is currently insufficient to determine the role of this variant in disease. Therefore, it has been classified as a Variant of Uncertain Significance.